The following is an entry in ClinVar:

ClinVar aggregate classification (germline): Uncertain significance (1 of 4 stars; one submission).

Conditions:
Werner syndrome (WRN). Identifiers: Orphanet 902, MedGen C0043119, MONDO:0010196, OMIM 277700.

Submission:

Labcorp Genetics (formerly Invitae), Labcorp
Classification: Uncertain significance for Werner syndrome. Last evaluated: 2023-03-17. Review status: criteria provided, single submitter. Criteria: Invitae Variant Classification Sherloc (09022015). Collection method: clinical testing. Allele origin: germline.
Comment: In summary, the available evidence is currently insufficient to determine the role of this variant in disease. Therefore, it has been classified as a Variant of Uncertain Significance. Algorithms developed to predict the effect of missense changes on protein structure and function output the following: SIFT: "Not Available"; PolyPhen-2: "Benign"; Align-GVGD: "Not Available". The phenylalanine amino acid residue is found in multiple mammalian species, which suggests that this missense change does not adversely affect protein function. This variant has not been reported in the literature in individuals affected with WRN-related conditions. This variant is not present in population databases (gnomAD no frequency). This sequence change replaces serine, which is neutral and polar, with phenylalanine, which is neutral and non-polar, at codon 547 of the WRN protein (p.Ser547Phe).

NM_000553.6(WRN):c.1640C>T (p.Ser547Phe)

Gene: WRN (WRN RecQ like helicase; plus strand). Cytogenetic location: 8p12.
Variant type: single nucleotide variant.
Coding change: c.1640C>T on transcript NM_000553.6 (MANE Select); coding-DNA position 1640, C replaced by T.
Protein change: p.Ser547Phe; replaces serine 547 with phenylalanine.
Molecular consequence: missense variant.
Genome position (GRCh38, 1-based): chr8:31,088,953, C>T. VCF-style: chr8-31088953-C-T. GRCh37 (hg19) VCF-style: chr8-30946469-C-T.
Other names: short protein forms S547F.
Identifiers: ClinVar variation 2861285 (VCV002861285.3), dbSNP rs2535927316, ClinGen allele CA370926485.